The following is an entry in ClinVar:

ClinVar aggregate classification (germline): Likely pathogenic (1 of 4 stars; one submission).

Conditions:
Autosomal recessive nonsyndromic hearing loss 124. Also called: DEAFNESS, AUTOSOMAL RECESSIVE 124. Identifiers: MedGen C5935612, MONDO:0968981, OMIM 620794.

gnomAD v4.1: 221 of 1,607,086 alleles (0.014%); highest among the groups gnomAD compares: Middle Eastern, 0.033%; 1 homozygote.

Submission:

Variantyx, Inc.
Classification: Likely pathogenic for Autosomal recessive nonsyndromic hearing loss 124. Last evaluated: 2025-05-12. Review status: criteria provided, single submitter. Criteria: Variantyx Assertion Criteria 2022. Collection method: clinical testing. Allele origin: germline. Inheritance: Autosomal recessive inheritance. Affected: no.
Comment: This is a nonsense variant in the PKHD1L1 gene (OMIM: 607843). Pathogenic variants in this gene have been associated with autosomal recessive deafness 124. This variant introduces a premature termination codon in exon 11 out of 78 and is expected to result in loss of function, which is a known disease mechanism for PKHD1L1 in this disorder (PMID: 38459354) (PVS1). This variant has a 0.0173% maximum allele frequency in non-founder control populations (PM2) and has not been reported in individuals with PKHD1L1-related disorders in the databases available for review. Based on the current evidence, this variant is classified as likely pathogenic for autosomal recessive deafness 124.

Literature cited by the submitters: PubMed 38459354.

NM_177531.6(PKHD1L1):c.847C>T (p.Arg283Ter)

Gene: PKHD1L1 (PKHD1 like 1; plus strand). Cytogenetic location: 8q23.1.
Variant type: single nucleotide variant.
Coding change: c.847C>T on transcript NM_177531.6 (MANE Select); coding-DNA position 847, C replaced by T.
Protein change: p.Arg283Ter; replaces arginine 283 with a stop codon.
Molecular consequence: nonsense.
Genome position (GRCh38, 1-based): chr8:109,396,062, C>T. VCF-style: chr8-109396062-C-T. GRCh37 (hg19) VCF-style: chr8-110408291-C-T.
Other names: short protein forms R283*.
Identifiers: ClinVar variation 4813843 (VCV004813843.1).